The following is an entry in ClinVar:

NM_000136.3(FANCC):c.1543A>C (p.Thr515Pro)

Genes: AOPEP (aminopeptidase O (putative); plus strand), FANCC (FA complementation group C; minus strand). Cytogenetic location: 9q22.32.
Variant type: single nucleotide variant.
Coding change: c.1543A>C on transcript NM_000136.3 (MANE Select); coding-DNA position 1543, A replaced by C.
Protein change: p.Thr515Pro; replaces threonine 515 with proline.
Molecular consequence: missense variant.
Genome position (GRCh38, 1-based): chr9:95,101,841, T>G on the plus strand (A>C on the coding strand, the complement: FANCC is on the minus strand). VCF-style: chr9-95101841-T-G. GRCh37 (hg19) VCF-style: chr9-97864123-T-G.
Other names: c.1543A>C, p.Thr515Pro (NM_001243743.2); short protein forms T515P.
Identifiers: ClinVar variation 2450931 (VCV002450931.3), dbSNP rs2540751126, ClinGen allele CA374104836.

ClinVar aggregate classification (germline): Uncertain significance. Review status: criteria provided, multiple submitters, no conflicts (2 of 4 stars). 2 submissions from 2 submitters: Uncertain significance (2). Last evaluated 2024-05-23.

Conditions:
Fanconi anemia complementation group C (FANCC). Also called: FANCC-Related Fanconi Anemia; FANCONI PANCYTOPENIA, TYPE 3; FACC; Fanconi anemia, group C. Identifiers: Orphanet 84, MedGen C3468041, MONDO:0009213, OMIM 227645.
Hereditary cancer-predisposing syndrome. Also called: Neoplastic Syndromes, Hereditary; Tumor predisposition; Hereditary neoplastic syndrome; Hereditary Cancer Syndrome. Identifiers: Orphanet 140162, MedGen C0027672, MeSH D009386, MONDO:0015356.

Submissions (2):

Fulgent Genetics
Classification: Uncertain significance for Fanconi anemia complementation group C. Last evaluated: 2024-05-23. Review status: criteria provided, single submitter. Criteria: ACMG Guidelines, 2015. Collection method: clinical testing. Allele origin: germline.

Ambry Genetics
Classification: Uncertain significance for Hereditary cancer-predisposing syndrome. Last evaluated: 2023-01-04. Review status: criteria provided, single submitter. Criteria: Ambry Variant Classification Scheme 2023. Collection method: clinical testing. Allele origin: germline.
Comment: The p.T515P variant (also known as c.1543A>C), located in coding exon 14 of the FANCC gene, results from an A to C substitution at nucleotide position 1543. The threonine at codon 515 is replaced by proline, an amino acid with highly similar properties. This amino acid position is conserved. In addition, this alteration is predicted to be tolerated by in silico analysis. Since supporting evidence is limited at this time, the clinical significance of this alteration remains unclear.